The following is an entry in ClinVar:

ClinVar aggregate classification (germline): Likely benign. Review status: criteria provided, multiple submitters, no conflicts (2 of 4 stars). 3 submissions from 3 submitters: Likely benign (3). Last evaluated 2025-01-05.

Conditions:
HSD17B10-related disorder. Also called: HSD17B10-related condition.

Allele frequency attached by ClinVar (database versions not stated): gnomAD exomes below 0.00001 and 0.00002; ExAC 0.00002; gnomAD 0.00003.
gnomAD v4.1: 8 of 1,208,639 alleles (0.00066%); highest among the groups gnomAD compares: African/African-American, 0.0035%; no homozygotes.

Submissions (3):

Labcorp Genetics (formerly Invitae), Labcorp
Classification: Likely benign. Last evaluated: 2025-01-05. Review status: criteria provided, single submitter. Criteria: Invitae Variant Classification Sherloc (09022015). Collection method: clinical testing. Allele origin: germline.

PreventionGenetics, part of Exact Sciences
Classification: Likely benign for HSD17B10-related condition. Last evaluated: 2024-12-23. Review status: criteria provided, single submitter. Criteria: ACMG Guidelines, 2015. Collection method: clinical testing. Allele origin: germline.
Comment: This variant is classified as likely benign based on ACMG/AMP sequence variant interpretation guidelines (Richards et al. 2015 PMID: 25741868, with internal and published modifications).

Genetic Services Laboratory, University of Chicago
Classification: Likely benign. Last evaluated: 2016-01-11. Review status: criteria provided, single submitter. Criteria: ACMG Guidelines, 2015. Collection method: clinical testing. Allele origin: germline. Affected: no.

NM_004493.3(HSD17B10):c.144G>A (p.Glu48=)

Gene: HSD17B10 (hydroxysteroid 17-beta dehydrogenase 10; minus strand). Cytogenetic location: Xp11.22.
Variant type: single nucleotide variant.
Coding change: c.144G>A on transcript NM_004493.3 (MANE Select); coding-DNA position 144, G replaced by A.
Protein change: p.Glu48=; no amino-acid change (glutamic acid 48 retained).
Molecular consequence: synonymous variant.
Genome position (GRCh38, 1-based): chrX:53,433,770, C>T on the plus strand (G>A on the coding strand, the complement: HSD17B10 is on the minus strand). VCF-style: chrX-53433770-C-T. GRCh37 (hg19) VCF-style: chrX-53460717-C-T.
Other names: c.144G>A, p.Glu48= (NM_001037811.2).
Identifiers: ClinVar variation 435469 (VCV000435469.11), dbSNP rs782158864, ClinGen allele CA10421039.